The following is an entry in ClinVar:

ClinVar aggregate classification (germline): Conflicting classifications of pathogenicity. Review status: criteria provided, conflicting classifications (1 of 4 stars). 2 submissions from 2 submitters: Uncertain significance (1); Likely benign (1). Last evaluated 2025-04-09.

gnomAD v4.1: 8 of 1,608,892 alleles (0.0005%); highest among the groups gnomAD compares: Admixed American, 0.0017%; no homozygotes.

Submissions (2):

Molecular Diagnostic Laboratory for Inherited Cardiovascular Disease, Montreal Heart Institute
Classification: Likely benign. Last evaluated: 2025-04-09. Review status: criteria provided, single submitter. Criteria: ACMG Guidelines, 2015. Collection method: clinical testing. Allele origin: germline. Affected: no.

GeneDx
Classification: Uncertain significance. Last evaluated: 2025-01-17. Review status: criteria provided, single submitter. Criteria: GeneDx Variant Classification Process June 2021. Collection method: clinical testing. Allele origin: germline. Affected: yes.
Comment: Not observed at significant frequency in large population cohorts (gnomAD); Missense variant in a gene in which most reported pathogenic variants are truncating/loss of function; Has not been previously published as pathogenic or benign to our knowledge

NM_001267550.2(TTN):c.13973C>T (p.Thr4658Ile)

Gene: TTN (titin; minus strand). Cytogenetic location: 2q31.2.
Variant type: single nucleotide variant.
Coding change: c.13973C>T on transcript NM_001267550.2 (MANE Select); coding-DNA position 13973, C replaced by T.
Protein change: p.Thr4658Ile; replaces threonine 4658 with isoleucine.
Molecular consequence: missense variant. On other transcripts: intron variant (1).
Genome position (GRCh38, 1-based): chr2:178,739,260, G>A on the plus strand (C>T on the coding strand, the complement: TTN is on the minus strand). VCF-style: chr2-178739260-G-A. GRCh37 (hg19) VCF-style: chr2-179603987-G-A.
Other names: c.13022C>T, p.Thr4341Ile (NM_001256850.1); c.12884C>T, p.Thr4295Ile (NM_003319.4); c.13259C>T, p.Thr4420Ile (NM_133432.3); c.13460C>T, p.Thr4487Ile (NM_133437.4); c.10361-900C>T (NM_133378.4); short protein forms T4295I, T4341I, T4420I, T4487I, T4658I.
Identifiers: ClinVar variation 3894620 (VCV003894620.2), dbSNP rs758799742.